The following is an entry in ClinVar:

ClinVar aggregate classification (germline): Uncertain significance (1 of 4 stars; one submission).

Conditions:
Gnathodiaphyseal dysplasia (GDD). Also called: GNATHODIAPHYSEAL SCLEROSIS; OSTEOGENESIS IMPERFECTA WITH UNUSUAL SKELETAL LESIONS. Identifiers: Orphanet 53697, MedGen C1833736, MONDO:0008151, OMIM 166260.
Autosomal recessive limb-girdle muscular dystrophy type 2L (LGMDR12). Also called: Limb-girdle muscular dystrophy, type 2L; MUSCULAR DYSTROPHY, LIMB-GIRDLE, AUTOSOMAL RECESSIVE 12; Limb-Girdle Muscular Dystrophy R12 Anoctamin-5-Related (LGMD-R12). Identifiers: Orphanet 206549, MedGen C1969785, MONDO:0012652, OMIM 611307.

gnomAD v4.1: 1 of 1,610,260 alleles (0.000062%); highest among the groups gnomAD compares: Non-Finnish European, 0.000085%; no homozygotes.

Submission:

Labcorp Genetics (formerly Invitae), Labcorp
Classification: Uncertain significance for Autosomal recessive limb-girdle muscular dystrophy type 2L; Gnathodiaphyseal dysplasia. Last evaluated: 2025-12-21. Review status: criteria provided, single submitter. Criteria: Invitae Variant Classification Sherloc (09022015). Collection method: clinical testing. Allele origin: germline.
Comment: This sequence change replaces threonine, which is neutral and polar, with alanine, which is neutral and non-polar, at codon 834 of the ANO5 protein (p.Thr834Ala). This variant is not present in population databases (gnomAD no frequency). This variant has not been reported in the literature in individuals affected with ANO5-related conditions. Invitae Evidence Modeling of protein sequence and biophysical properties (such as structural, functional, and spatial information, amino acid conservation, physicochemical variation, residue mobility, and thermodynamic stability) indicates that this missense variant is not expected to disrupt ANO5 protein function with a negative predictive value of 95%. In summary, the available evidence is currently insufficient to determine the role of this variant in disease. Therefore, it has been classified as a Variant of Uncertain Significance.

NM_213599.3(ANO5):c.2500A>G (p.Thr834Ala)

Gene: ANO5 (anoctamin 5; plus strand). Cytogenetic location: 11p14.3.
Variant type: single nucleotide variant.
Coding change: c.2500A>G on transcript NM_213599.3 (MANE Select); coding-DNA position 2500, A replaced by G.
Protein change: p.Thr834Ala; replaces threonine 834 with alanine.
Molecular consequence: missense variant.
Genome position (GRCh38, 1-based): chr11:22,276,179, A>G. VCF-style: chr11-22276179-A-G. GRCh37 (hg19) VCF-style: chr11-22297725-A-G.
Other names: c.2497A>G, p.Thr833Ala (NM_001142649.2); c.2458A>G, p.Thr820Ala (NM_001410963.1); c.2455A>G, p.Thr819Ala (NM_001410964.1); c.2422A>G, p.Thr808Ala (NM_001441294.1); c.2419A>G, p.Thr807Ala (NM_001441295.1); c.2407A>G, p.Thr803Ala (NM_001441296.1); c.2380A>G, p.Thr794Ala (NM_001441297.1); c.2344A>G, p.Thr782Ala (NM_001441298.1); and 4 more; short protein forms T672A, T688A, T781A, T807A, T834A, T689A, T808A, T820A.
Identifiers: ClinVar variation 4792661 (VCV004792661.1).